The following is an entry in ClinVar:

NM_006876.3(B4GAT1):c.1118A>T (p.His373Leu)

Gene: B4GAT1 (beta-1,4-glucuronyltransferase 1; minus strand). Cytogenetic location: 11q13.2.
Variant type: single nucleotide variant.
Coding change: c.1118A>T on transcript NM_006876.3 (MANE Select); coding-DNA position 1118, A replaced by T.
Protein change: p.His373Leu; replaces histidine 373 with leucine.
Molecular consequence: missense variant.
Genome position (GRCh38, 1-based): chr11:66,346,179, T>A on the plus strand (A>T on the coding strand, the complement: B4GAT1 is on the minus strand). VCF-style: chr11-66346179-T-A. GRCh37 (hg19) VCF-style: chr11-66113650-T-A.
Other names: short protein forms H373L.
Identifiers: ClinVar variation 2420919 (VCV002420919.6), dbSNP rs1316420567, ClinGen allele CA381416916.

ClinVar aggregate classification (germline): Uncertain significance (1 of 4 stars; one submission).

Conditions:
Muscular dystrophy-dystroglycanopathy (congenital with brain and eye anomalies), type A13. Also called: WALKER-WARBURG SYNDROME OR MUSCLE-EYE-BRAIN DISEASE, B3GNT1-RELATED; Muscular dystrophy-dystroglycanopathy (congenital with brain and eye anomalies), type a, 13. Identifiers: Orphanet 899, MedGen C3809042, MONDO:0014120, OMIM 615287.

gnomAD v4.1: 1 of 1,614,132 alleles (0.000062%); highest among the groups gnomAD compares: Non-Finnish European, 0.000085%; no homozygotes.

Submission:

Labcorp Genetics (formerly Invitae), Labcorp
Classification: Uncertain significance for Muscular dystrophy-dystroglycanopathy (congenital with brain and eye anomalies), type A13. Last evaluated: 2022-07-19. Review status: criteria provided, single submitter. Criteria: Invitae Variant Classification Sherloc (09022015). Collection method: clinical testing. Allele origin: germline.
Comment: Algorithms developed to predict the effect of missense changes on protein structure and function (SIFT, PolyPhen-2, Align-GVGD) all suggest that this variant is likely to be disruptive. In summary, the available evidence is currently insufficient to determine the role of this variant in disease. Therefore, it has been classified as a Variant of Uncertain Significance. Algorithms developed to predict the effect of sequence changes on RNA splicing suggest that this variant may create or strengthen a splice site. This variant has not been reported in the literature in individuals affected with B4GAT1-related conditions. This variant is not present in population databases (gnomAD no frequency). This sequence change replaces histidine, which is basic and polar, with leucine, which is neutral and non-polar, at codon 373 of the B4GAT1 protein (p.His373Leu).